The following is an entry in ClinVar:

NM_182943.3(PLOD2):c.1138C>T (p.Arg380Cys)

Gene: PLOD2 (procollagen-lysine,2-oxoglutarate 5-dioxygenase 2; minus strand). Cytogenetic location: 3q24.
Variant type: single nucleotide variant.
Coding change: c.1138C>T on transcript NM_182943.3 (MANE Select); coding-DNA position 1138, C replaced by T.
Protein change: p.Arg380Cys; replaces arginine 380 with cysteine.
Molecular consequence: missense variant.
Genome position (GRCh38, 1-based): chr3:146,085,263, G>A on the plus strand (C>T on the coding strand, the complement: PLOD2 is on the minus strand). VCF-style: chr3-146085263-G-A. GRCh37 (hg19) VCF-style: chr3-145803050-G-A.
Other names: c.1138C>T, p.Arg380Cys (NM_000935.3); short protein forms R380C.
Identifiers: ClinVar variation 1329068 (VCV001329068.2), dbSNP rs376005437, ClinGen allele CA2654983.
Genomic context (GRCh38, chr3:146,085,263, plus strand): 5'-GATTTGTCAAAACAACATCTGCATCCACACTAAAGTAATAATCACACTTTTCATCCTGAC[G>A]GCAAAAGTCCCTAACAGTGAAAAAGAAAATGAAATGGGCATGACATAAAATAAATATCTG-3'
Protein context (NP_891988.1, residues 370-390): EARNMGMDFC[Arg380Cys]QDEKCDYYFS

ClinVar aggregate classification (germline): Conflicting classifications of pathogenicity. Review status: criteria provided, conflicting classifications (1 of 4 stars). 2 submissions from 2 submitters: Likely pathogenic (1); Uncertain significance (1). Last evaluated 2026-01-07.

Conditions:
Bruck syndrome 2 (BRKS2). Also called: OSTEOGENESIS IMPERFECTA WITH CONGENITAL JOINT CONTRACTURES. Identifiers: Orphanet 2771, MedGen C1836602, MONDO:0012217, OMIM 609220.

Allele frequency attached by ClinVar (database versions not stated): gnomAD exomes 0.00001; ExAC 0.00003; TOPMed 0.00003; gnomAD 0.00004; ESP Exome Variant Server 0.00008.

Submissions (2):

First Genomix Gene Laboratory, Genetic Diagnostics Department
Classification: Likely pathogenic for Bruck syndrome 2. Last evaluated: 2026-01-07. Review status: criteria provided, single submitter. Criteria: ACMG Guidelines, 2015. Collection method: clinical testing. Allele origin: germline. Inheritance: Autosomal recessive inheritance. Affected: no. Observed: 1 variant allele.

Women's Health and Genetics/Laboratory Corporation of America, LabCorp
Classification: Uncertain significance. Last evaluated: 2021-11-17. Review status: criteria provided, single submitter. Criteria: LabCorp Variant Classification Summary - May 2015. Collection method: clinical testing. Allele origin: germline.
Comment: Variant summary: PLOD2 c.1138C>T (p.Arg380Cys) results in a non-conservative amino acid change in the encoded protein sequence. Five of five in-silico tools predict a damaging effect of the variant on protein function. The variant allele was found at a frequency of 1.2e-05 in 250728 control chromosomes. c.1138C>T has been reported in the literature as a compound heterozygous genotype in at-least two comprehensively genotyped and clinically ascertained individuals affected with autosomal recessive Bruck syndrome, a rare recessive type of Osteogenesis Imperfecta (example, Lv_2018, Liu_2017, Mumm_2020). These data indicate that the variant may be associated with disease. To our knowledge, no experimental evidence demonstrating an impact on protein function has been reported. No clinical diagnostic laboratories have submitted clinical-significance assessments for this variant to ClinVar after 2014. Based on the evidence outlined above, the variant was classified as VUS-possibly pathogenic.

Literature cited by the submitters: PubMed 28725987 (cited by Women's Health and Genetics/Laboratory Corporation of America, LabCorp); PubMed 29177700 (cited by Women's Health and Genetics/Laboratory Corporation of America, LabCorp); PubMed 31472299 (cited by Women's Health and Genetics/Laboratory Corporation of America, LabCorp).